The following is an entry in ClinVar:

NM_001129.5(AEBP1):c.1619G>C (p.Cys540Ser)

Gene: AEBP1 (AE binding protein 1; plus strand). Cytogenetic location: 7p13.
Variant type: single nucleotide variant.
Coding change: c.1619G>C on transcript NM_001129.5 (MANE Select); coding-DNA position 1619, G replaced by C.
Protein change: p.Cys540Ser; replaces cysteine 540 with serine.
Molecular consequence: missense variant.
Genome position (GRCh38, 1-based): chr7:44,111,046, G>C. VCF-style: chr7-44111046-G-C. GRCh37 (hg19) VCF-style: chr7-44150645-G-C.
Other names: short protein forms C540S.
Identifiers: ClinVar variation 3897404 (VCV003897404.1).
Genomic context (GRCh38, chr7:44,111,046, plus strand): 5'-TCCGCATCTACCCACTCACCTGGAATGGCAGCCTGTGCATGCGCCTGGAGGTGCTGGGGT[G>C]CTCTGTGGCCCGTGAGTGTGGAGGGCTGGCAGGGGCTCTGAGTGGAGGTGGGGTGCTAGG-3'
Protein context (NP_001120.3, residues 530-550): SLCMRLEVLG[Cys540Ser]SVAPVYSYYA

ClinVar aggregate classification (germline): Uncertain significance (1 of 4 stars; one submission).

gnomAD v4.1: 16 of 1,610,696 alleles (0.00099%); highest among the groups gnomAD compares: Non-Finnish European, 0.0013%; no homozygotes.

Submission:

GeneDx
Classification: Uncertain significance. Last evaluated: 2024-10-29. Review status: criteria provided, single submitter. Criteria: GeneDx Variant Classification Process June 2021. Collection method: clinical testing. Allele origin: germline. Affected: yes.
Comment: Not observed at significant frequency in large population cohorts (gnomAD); In silico analysis supports that this missense variant has a deleterious effect on protein structure/function; Has not been previously published as pathogenic or benign to our knowledge